The following is an entry in ClinVar:

ClinVar aggregate classification (germline): Conflicting classifications of pathogenicity. Review status: criteria provided, conflicting classifications (1 of 4 stars). 2 submissions from 2 submitters: Uncertain significance (1); Likely benign (1). Last evaluated 2024-10-06.

Conditions:
DYRK1A-related intellectual disability syndrome (MRD7). Also called: DYRK1A Syndrome; Intellectual developmental disorder, autosomal dominant 7. Identifiers: Orphanet 464306, MedGen C5568143, MONDO:0013578, OMIM 614104.
Inborn genetic diseases. Identifiers: MedGen C0950123, MeSH D030342.

Allele frequency attached by ClinVar (database versions not stated): ExAC 0.00001; ESP Exome Variant Server 0.00008.
gnomAD v4.1: 4 of 1,613,922 alleles (0.00025%); highest among the groups gnomAD compares: Non-Finnish European, 0.00017%; no homozygotes.

Submissions (2):

Ambry Genetics
Classification: Likely benign for Inborn genetic diseases. Last evaluated: 2024-10-06. Review status: criteria provided, single submitter. Criteria: Ambry Variant Classification Scheme 2023. Collection method: clinical testing. Allele origin: germline.

Labcorp Genetics (formerly Invitae), Labcorp
Classification: Uncertain significance for DYRK1A-related intellectual disability syndrome. Last evaluated: 2022-07-04. Review status: criteria provided, single submitter. Criteria: Invitae Variant Classification Sherloc (09022015). Collection method: clinical testing. Allele origin: germline.
Comment: In summary, the available evidence is currently insufficient to determine the role of this variant in disease. Therefore, it has been classified as a Variant of Uncertain Significance. Advanced modeling of protein sequence and biophysical properties (such as structural, functional, and spatial information, amino acid conservation, physicochemical variation, residue mobility, and thermodynamic stability) performed at Invitae indicates that this missense variant is not expected to disrupt DYRK1A protein function. This variant has not been reported in the literature in individuals affected with DYRK1A-related conditions. The frequency data for this variant in the population databases is considered unreliable, as metrics indicate poor data quality at this position in the gnomAD database. This sequence change replaces serine, which is neutral and polar, with tyrosine, which is neutral and polar, at codon 606 of the DYRK1A protein (p.Ser606Tyr).

NM_001347721.2(DYRK1A):c.1790C>A (p.Ser597Tyr)

Gene: DYRK1A (dual specificity tyrosine phosphorylation regulated kinase 1A; plus strand). Cytogenetic location: 21q22.13.
Variant type: single nucleotide variant.
Coding change: c.1790C>A on transcript NM_001347721.2 (MANE Select); coding-DNA position 1790, C replaced by A.
Protein change: p.Ser597Tyr; replaces serine 597 with tyrosine.
Molecular consequence: missense variant. On other transcripts: 3 prime UTR variant (2).
Genome position (GRCh38, 1-based): chr21:37,512,056, C>A. VCF-style: chr21-37512056-C-A. GRCh37 (hg19) VCF-style: chr21-38884359-C-A.
Other names: c.1790C>A, p.Ser597Tyr (NM_001347722.2, NM_130436.2); c.1703C>A, p.Ser568Tyr (NM_001347723.2); c.1817C>A, p.Ser606Tyr (NM_001396.5); c.*193C>A (NM_101395.2); c.*102C>A (NM_130438.2); c.1817C>A (NM_001396.3); short protein forms S568Y, S606Y, S597Y.
Identifiers: ClinVar variation 1987200 (VCV001987200.5), dbSNP rs367596694, ClinGen allele CA10024098.